The following is an entry in ClinVar:

ClinVar aggregate classification (germline): Uncertain significance (1 of 4 stars; one submission).

Allele frequency attached by ClinVar (database versions not stated): gnomAD exomes below 0.00001; gnomAD 0.00001.
gnomAD v4.1: 3 of 1,613,954 alleles (0.00019%); highest among the groups gnomAD compares: East Asian, 0.0022%; no homozygotes.

Submission:

CeGaT Center for Human Genetics Tuebingen
Classification: Uncertain significance. Last evaluated: 2023-10-01. Review status: criteria provided, single submitter. Criteria: CeGaT Center For Human Genetics Tuebingen Variant Classification Criteria Version 2. Collection method: clinical testing. Allele origin: germline. Affected: yes. Observed: 1 variant allele.
Comment: QRICH1: PM2, PP4

NM_198880.3(QRICH1):c.157A>G (p.Met53Val)

Gene: QRICH1 (glutamine rich 1; minus strand). Cytogenetic location: 3p21.31.
Variant type: single nucleotide variant.
Coding change: c.157A>G on transcript NM_198880.3 (MANE Select); coding-DNA position 157, A replaced by G.
Protein change: p.Met53Val; replaces methionine 53 with valine.
Molecular consequence: missense variant.
Genome position (GRCh38, 1-based): chr3:49,076,861, T>C on the plus strand (A>G on the coding strand, the complement: QRICH1 is on the minus strand). VCF-style: chr3-49076861-T-C. GRCh37 (hg19) VCF-style: chr3-49114294-T-C.
Other names: c.157A>G, p.Met53Val (NM_001320580.2, NM_001320581.2, NM_001320582.2 and 4 more transcripts); short protein forms M53V.
Identifiers: ClinVar variation 2653823 (VCV002653823.24), dbSNP rs1488215964, ClinGen allele CA352686553.